The following is an entry in ClinVar:

ClinVar aggregate classification (germline): Likely pathogenic (1 of 4 stars; one submission).

Submission:

Labcorp Genetics (formerly Invitae), Labcorp
Classification: Likely pathogenic. Last evaluated: 2023-10-11. Review status: criteria provided, single submitter. Criteria: Invitae Variant Classification Sherloc (09022015). Collection method: clinical testing. Allele origin: germline.
Comment: This sequence change affects a donor splice site in intron 1 of the SMARCD2 gene. It is expected to disrupt RNA splicing. Variants that disrupt the donor or acceptor splice site typically lead to a loss of protein function (PMID: 16199547), and loss-of-function variants in SMARCD2 are known to be pathogenic (PMID: 28369036). This variant is not present in population databases (gnomAD no frequency). This variant has not been reported in the literature in individuals affected with SMARCD2-related conditions. Algorithms developed to predict the effect of sequence changes on RNA splicing suggest that this variant may disrupt the consensus splice site. In summary, the currently available evidence indicates that the variant is pathogenic, but additional data are needed to prove that conclusively. Therefore, this variant has been classified as Likely Pathogenic.

Literature cited by the submitters: PubMed 16199547; PubMed 28369036.

NM_001098426.2(SMARCD2):c.216+1G>C

Genes: SMARCD2 (SWI/SNF related BAF chromatin remodeling complex subunit D2; minus strand), LOC130061409 (ATAC-STARR-seq lymphoblastoid silent region 8832; plus strand). Cytogenetic location: 17q23.3.
Variant type: single nucleotide variant.
Coding change: c.216+1G>C on transcript NM_001098426.2 (MANE Select); the canonical splice donor site of the intron after coding-DNA position 216, G replaced by C.
Molecular consequence: splice donor variant. On other transcripts: 5 prime UTR variant (1).
Genome position (GRCh38, 1-based): chr17:63,842,458, C>G on the plus strand (G>C on the coding strand, the complement: SMARCD2 is on the minus strand). VCF-style: chr17-63842458-C-G. GRCh37 (hg19) VCF-style: chr17-61919818-C-G.
Other names: c.-87G>C (NM_001330439.1).
Identifiers: ClinVar variation 2767629 (VCV002767629.3), dbSNP rs2511450718, ClinGen allele CA400601983.